The following is an entry in ClinVar:

NM_022893.4(BCL11A):c.-1C>G

Gene: BCL11A (BCL11 transcription factor A; minus strand). Cytogenetic location: 2p16.1.
Variant type: single nucleotide variant.
Coding change: c.-1C>G on transcript NM_022893.4 (MANE Select); 1 bases upstream of the start codon, C replaced by G.
Molecular consequence: 5 prime UTR variant.
Genome position (GRCh38, 1-based): chr2:60,553,271, G>C on the plus strand (C>G on the coding strand, the complement: BCL11A is on the minus strand). VCF-style: chr2-60553271-G-C. GRCh37 (hg19) VCF-style: chr2-60780406-G-C.
Other names: c.-1C>G (NM_001363864.1, NM_001365609.1, NM_001405708.1 and 10 more transcripts); c.-426C>G (NM_001405721.1); c.-676C>G (NM_001405725.1, NM_001405726.1, NM_001405731.1); c.-533C>G (NM_001405728.1).
Identifiers: ClinVar variation 1305798 (VCV001305798.2), dbSNP rs753635659, ClinGen allele CA1671349.

ClinVar aggregate classification (germline): Uncertain significance (1 of 4 stars; one submission).

Allele frequency attached by ClinVar (database versions not stated): gnomAD exomes below 0.00001; ExAC 0.00001; gnomAD 0.00001.
gnomAD v4.1: 8 of 1,579,306 alleles (0.00051%); highest among the groups gnomAD compares: Non-Finnish European, 0.00068%; no homozygotes.

Submission:

GeneDx
Classification: Uncertain significance. Last evaluated: 2020-07-06. Review status: criteria provided, single submitter. Criteria: GeneDx Variant Classification Process June 2021. Collection method: clinical testing. Allele origin: germline. Affected: yes.
Comment: Alters a position that is not conserved in the Kozak sequence, which plays a role in the initiation of protein translation. However, in the absence of RNA/functional studies, the actual effect of this sequence change in this individual is unknown; Not observed in large population cohorts (Lek et al., 2016); Has not been previously published as pathogenic or benign to our knowledge